The following is an entry in ClinVar:

NM_004655.4(AXIN2):c.845C>T (p.Pro282Leu)

Gene: AXIN2 (axin 2; minus strand). Cytogenetic location: 17q24.1.
Variant type: single nucleotide variant.
Coding change: c.845C>T on transcript NM_004655.4 (MANE Select); coding-DNA position 845, C replaced by T.
Protein change: p.Pro282Leu; replaces proline 282 with leucine.
Molecular consequence: missense variant.
Genome position (GRCh38, 1-based): chr17:65,549,631, G>A on the plus strand (C>T on the coding strand, the complement: AXIN2 is on the minus strand). VCF-style: chr17-65549631-G-A. GRCh37 (hg19) VCF-style: chr17-63545749-G-A.
Other names: c.845C>T (LRG_296t1); c.845C>T, p.Pro282Leu (NM_001363813.1); short protein forms P282L.
Identifiers: ClinVar variation 578972 (VCV000578972.17), dbSNP rs772279739, ClinGen allele CA8718961.

ClinVar aggregate classification (germline): Uncertain significance. Review status: criteria provided, multiple submitters, no conflicts (2 of 4 stars). 3 submissions from 3 submitters: Uncertain significance (3). Last evaluated 2025-09-25.

Conditions:
Oligodontia-cancer predisposition syndrome. Also called: TOOTH AGENESIS-COLORECTAL CANCER SYNDROME. Identifiers: Orphanet 300576, MedGen C1837750, MONDO:0012075, OMIM 608615. Disease mechanism: loss of function.
Hereditary cancer-predisposing syndrome. Also called: Neoplastic Syndromes, Hereditary; Tumor predisposition; Hereditary neoplastic syndrome; Hereditary Cancer Syndrome. Identifiers: Orphanet 140162, MedGen C0027672, MeSH D009386, MONDO:0015356.

Allele frequency attached by ClinVar (database versions not stated): TOPMed below 0.00001; gnomAD exomes 0.00002; ExAC 0.00005.

Submissions (3):

Ambry Genetics
Classification: Uncertain significance for Hereditary cancer-predisposing syndrome. Last evaluated: 2025-09-25. Review status: criteria provided, single submitter. Criteria: Ambry Variant Classification Scheme 2023. Collection method: clinical testing. Allele origin: germline.
Comment: The p.P282L variant (also known as c.845C>T), located in coding exon 2 of the AXIN2 gene, results from a C to T substitution at nucleotide position 845. The proline at codon 282 is replaced by leucine, an amino acid with similar properties. This amino acid position is highly conserved in available vertebrate species. In addition, this alteration is predicted to be deleterious by in silico analysis. Since supporting evidence is limited at this time, the clinical significance of this alteration remains unclear.

Labcorp Genetics (formerly Invitae), Labcorp
Classification: Uncertain significance for Oligodontia-cancer predisposition syndrome. Last evaluated: 2025-08-17. Review status: criteria provided, single submitter. Criteria: Invitae Variant Classification Sherloc (09022015). Collection method: clinical testing. Allele origin: germline.
Comment: This sequence change replaces proline, which is neutral and non-polar, with leucine, which is neutral and non-polar, at codon 282 of the AXIN2 protein (p.Pro282Leu). This variant is present in population databases (rs772279739, gnomAD 0.004%). This variant has not been reported in the literature in individuals affected with AXIN2-related conditions. ClinVar contains an entry for this variant (Variation ID: 578972). Invitae Evidence Modeling of protein sequence and biophysical properties (such as structural, functional, and spatial information, amino acid conservation, physicochemical variation, residue mobility, and thermodynamic stability) indicates that this missense variant is expected to disrupt AXIN2 protein function with a positive predictive value of 80%. In summary, the available evidence is currently insufficient to determine the role of this variant in disease. Therefore, it has been classified as a Variant of Uncertain Significance.

Center for Genomic Medicine, Rigshospitalet, Copenhagen University Hospital
Classification: Uncertain significance. Last evaluated: 2025-03-04. Review status: criteria provided, single submitter. Criteria: ACMG Guidelines, 2015. Collection method: clinical testing. Allele origin: germline.